The following is an entry in ClinVar:

NM_002618.4(PEX13):c.1199A>T (p.Lys400Met)

Gene: PEX13 (peroxisomal biogenesis factor 13; plus strand). Cytogenetic location: 2p15.
Variant type: single nucleotide variant.
Coding change: c.1199A>T on transcript NM_002618.4 (MANE Select); coding-DNA position 1199, A replaced by T.
Protein change: p.Lys400Met; replaces lysine 400 with methionine.
Molecular consequence: missense variant.
Genome position (GRCh38, 1-based): chr2:61,048,757, A>T. VCF-style: chr2-61048757-A-T. GRCh37 (hg19) VCF-style: chr2-61275892-A-T.
Other names: short protein forms K400M.
Identifiers: ClinVar variation 2013783 (VCV002013783.1), dbSNP rs2467530807, ClinGen allele CA346950405.

ClinVar aggregate classification (germline): Uncertain significance (1 of 4 stars; one submission).

Conditions:
Peroxisome biogenesis disorder 11A (Zellweger). Also called: Peroxisome biogenesis disorder 11A. Identifiers: Orphanet 912, MedGen C3554000, MONDO:0013949, OMIM 614883.

Submission:

Labcorp Genetics (formerly Invitae), Labcorp
Classification: Uncertain significance for Peroxisome biogenesis disorder 11A (Zellweger). Last evaluated: 2022-07-07. Review status: criteria provided, single submitter. Criteria: Invitae Variant Classification Sherloc (09022015). Collection method: clinical testing. Allele origin: germline.
Comment: This sequence change replaces lysine, which is basic and polar, with methionine, which is neutral and non-polar, at codon 400 of the PEX13 protein (p.Lys400Met). This variant is not present in population databases (gnomAD no frequency). This variant has not been reported in the literature in individuals affected with PEX13-related conditions. Algorithms developed to predict the effect of missense changes on protein structure and function are either unavailable or do not agree on the potential impact of this missense change (SIFT: "Tolerated"; PolyPhen-2: "Probably Damaging"; Align-GVGD: "Class C0"). In summary, the available evidence is currently insufficient to determine the role of this variant in disease. Therefore, it has been classified as a Variant of Uncertain Significance.